The following is an entry in ClinVar:

ClinVar aggregate classification (germline): Uncertain significance. Review status: criteria provided, multiple submitters, no conflicts (2 of 4 stars). 2 submissions from 2 submitters: Uncertain significance (2). Last evaluated 2023-11-27.

Conditions:
Nemaline myopathy 2 (NEM2). Also called: Nemaline myopathy 2, autosomal recessive. Identifiers: MedGen C1850569, MONDO:0009725, OMIM 256030.

Allele frequency attached by ClinVar (database versions not stated): gnomAD exomes below 0.00001 and 0.00001; ExAC 0.00001; gnomAD 0.00001; TOPMed 0.00001.
gnomAD v4.1: 11 of 1,613,836 alleles (0.00068%); highest among the groups gnomAD compares: East Asian, 0.0022%; no homozygotes.

Submissions (2):

Labcorp Genetics (formerly Invitae), Labcorp
Classification: Uncertain significance for Nemaline myopathy 2. Last evaluated: 2023-11-27. Review status: criteria provided, single submitter. Criteria: Invitae Variant Classification Sherloc (09022015). Collection method: clinical testing. Allele origin: germline.
Comment: This sequence change replaces arginine, which is basic and polar, with cysteine, which is neutral and slightly polar, at codon 1368 of the NEB protein (p.Arg1368Cys). This variant is present in population databases (rs772128314, gnomAD 0.0009%). This variant has not been reported in the literature in individuals affected with NEB-related conditions. ClinVar contains an entry for this variant (Variation ID: 893288). Experimental studies and prediction algorithms are not available or were not evaluated, and the functional significance of this variant is currently unknown. In summary, the available evidence is currently insufficient to determine the role of this variant in disease. Therefore, it has been classified as a Variant of Uncertain Significance.

Illumina Laboratory Services, Illumina
Classification: Uncertain significance for Nemaline myopathy 2. Last evaluated: 2018-01-13. Review status: criteria provided, single submitter. Criteria: ICSL Variant Classification Criteria 13 December 2019. Collection method: clinical testing. Allele origin: germline.

NM_001164508.2(NEB):c.4102C>T (p.Arg1368Cys)

Gene: NEB (nebulin; minus strand). Cytogenetic location: 2q23.3.
Variant type: single nucleotide variant.
Coding change: c.4102C>T on transcript NM_001164508.2 (MANE Select); coding-DNA position 4102, C replaced by T.
Protein change: p.Arg1368Cys; replaces arginine 1368 with cysteine.
Molecular consequence: missense variant.
Genome position (GRCh38, 1-based): chr2:151,672,566, G>A on the plus strand (C>T on the coding strand, the complement: NEB is on the minus strand). VCF-style: chr2-151672566-G-A. GRCh37 (hg19) VCF-style: chr2-152529080-G-A.
Other names: c.4102C>T, p.Arg1368Cys (NM_001164507.2, NM_001271208.2, NM_004543.5); short protein forms R1368C.
Identifiers: ClinVar variation 893288 (VCV000893288.8), dbSNP rs772128314, ClinGen allele CA1910722.